The following is an entry in ClinVar:

ClinVar aggregate classification (germline): Uncertain significance (1 of 4 stars; one submission).

gnomAD v4.1: 7 of 1,614,200 alleles (0.00043%); highest among the groups gnomAD compares: South Asian, 0.0033%; no homozygotes.

Submission:

Labcorp Genetics (formerly Invitae), Labcorp
Classification: Uncertain significance. Last evaluated: 2026-01-07. Review status: criteria provided, single submitter. Criteria: Invitae Variant Classification Sherloc (09022015). Collection method: clinical testing. Allele origin: germline.
Comment: This sequence change replaces aspartic acid, which is acidic and polar, with asparagine, which is neutral and polar, at codon 319 of the ANK1 protein (p.Asp319Asn). This variant is present in population databases (rs767117624, gnomAD 0.006%). This variant has not been reported in the literature in individuals affected with ANK1-related conditions. Invitae Evidence Modeling of protein sequence and biophysical properties (such as structural, functional, and spatial information, amino acid conservation, physicochemical variation, residue mobility, and thermodynamic stability) indicates that this missense variant is not expected to disrupt ANK1 protein function with a negative predictive value of 80%. In summary, the available evidence is currently insufficient to determine the role of this variant in disease. Therefore, it has been classified as a Variant of Uncertain Significance.

NM_000037.4(ANK1):c.955G>A (p.Asp319Asn)

Gene: ANK1 (ankyrin 1; minus strand). Cytogenetic location: 8p11.21.
Variant type: single nucleotide variant.
Coding change: c.955G>A on transcript NM_000037.4 (MANE Select); coding-DNA position 955, G replaced by A.
Protein change: p.Asp319Asn; replaces aspartic acid 319 with asparagine.
Molecular consequence: missense variant.
Genome position (GRCh38, 1-based): chr8:41,719,813, C>T on the plus strand (G>A on the coding strand, the complement: ANK1 is on the minus strand). VCF-style: chr8-41719813-C-T. GRCh37 (hg19) VCF-style: chr8-41577331-C-T.
Other names: c.1054G>A, p.Asp352Asn (NM_001142446.2); c.955G>A, p.Asp319Asn (NM_020475.3, NM_020476.3, NM_020477.3); short protein forms D352N, D319N.
Identifiers: ClinVar variation 4737790 (VCV004737790.1).
Genomic context (GRCh38, chr8:41,719,813, plus strand): 5'-GGTGGTCCAGGGTGATGTCGTCTATCTCTGCGTCGTATTGCAACAGGAGCCGGACACAGT[C>T]GAGGTGGTCTCCCTGAGCCGCCATGTGAATTGGGGACAGGCCGTTCTGGGTAAAGAGGAA-3'
Protein context (NP_000028.3, residues 309-329): IHMAAQGDHL[Asp319Asn]CVRLLLQYDA